The following is an entry in ClinVar:

NM_001184880.2(PCDH19):c.1633A>T (p.Ser545Cys)

Gene: PCDH19 (protocadherin 19; minus strand). Cytogenetic location: Xq22.1.
Variant type: single nucleotide variant.
Coding change: c.1633A>T on transcript NM_001184880.2 (MANE Select); coding-DNA position 1633, A replaced by T.
Protein change: p.Ser545Cys; replaces serine 545 with cysteine.
Molecular consequence: missense variant.
Genome position (GRCh38, 1-based): chrX:100,406,965, T>A on the plus strand (A>T on the coding strand, the complement: PCDH19 is on the minus strand). VCF-style: chrX-100406965-T-A. GRCh37 (hg19) VCF-style: chrX-99661963-T-A.
Other names: c.1633A>T, p.Ser545Cys (NM_001105243.2, NM_020766.3); short protein forms S545C.
Identifiers: ClinVar variation 3369305 (VCV003369305.1).

ClinVar aggregate classification (germline): Uncertain significance (1 of 4 stars; one submission).

Submission:

GeneDx
Classification: Uncertain significance. Last evaluated: 2024-02-16. Review status: criteria provided, single submitter. Criteria: GeneDx Variant Classification Process June 2021. Collection method: clinical testing. Allele origin: germline. Affected: yes.
Comment: Not observed at significant frequency in large population cohorts (gnomAD); In silico analysis supports that this missense variant has a deleterious effect on protein structure/function; Missense variants in this gene are a common cause of disease and they are underrepresented in the general population; Has not been previously published as pathogenic or benign to our knowledge